The following is an entry in ClinVar:

NM_006766.5(KAT6A):c.4804A>G (p.Ser1602Gly)

Gene: KAT6A (lysine acetyltransferase 6A; minus strand). Cytogenetic location: 8p11.21.
Variant type: single nucleotide variant.
Coding change: c.4804A>G on transcript NM_006766.5 (MANE Select); coding-DNA position 4804, A replaced by G.
Protein change: p.Ser1602Gly; replaces serine 1602 with glycine.
Molecular consequence: missense variant.
Genome position (GRCh38, 1-based): chr8:41,933,416, T>C on the plus strand (A>G on the coding strand, the complement: KAT6A is on the minus strand). VCF-style: chr8-41933416-T-C. GRCh37 (hg19) VCF-style: chr8-41790934-T-C.
Other names: short protein forms S1602G.
Identifiers: ClinVar variation 1303206 (VCV001303206.7), dbSNP rs369072402, ClinGen allele CA4729422.

ClinVar aggregate classification (germline): Conflicting classifications of pathogenicity. Review status: criteria provided, conflicting classifications (1 of 4 stars). 3 submissions from 3 submitters: Uncertain significance (1); Likely benign (2). Last evaluated 2025-10-13.

Conditions:
Inborn genetic diseases. Identifiers: MedGen C0950123, MeSH D030342.

Allele frequency attached by ClinVar (database versions not stated): ExAC 0.00001; gnomAD 0.00001; gnomAD exomes 0.00001 and 0.00004; TOPMed 0.00001; ESP Exome Variant Server 0.00008.
gnomAD v4.1: 57 of 1,610,900 alleles (0.0035%); highest among the groups gnomAD compares: Non-Finnish European, 0.0046%; no homozygotes.

Submissions (3):

Labcorp Genetics (formerly Invitae), Labcorp
Classification: Likely benign. Last evaluated: 2025-10-13. Review status: criteria provided, single submitter. Criteria: Invitae Variant Classification Sherloc (09022015). Collection method: clinical testing. Allele origin: germline.

Ambry Genetics
Classification: Likely benign for Inborn genetic diseases. Last evaluated: 2025-09-01. Review status: criteria provided, single submitter. Criteria: Ambry Variant Classification Scheme 2023. Collection method: clinical testing. Allele origin: germline.

GeneDx
Classification: Uncertain significance. Last evaluated: 2021-04-12. Review status: criteria provided, single submitter. Criteria: GeneDx Variant Classification Process June 2021. Collection method: clinical testing. Allele origin: germline. Affected: yes.
Comment: In silico analysis supports that this missense variant has a deleterious effect on protein structure/function; Has not been previously published as pathogenic or benign to our knowledge